The following is an entry in ClinVar:

ClinVar aggregate classification (germline): Uncertain significance (1 of 4 stars; one submission).

Allele frequency attached by ClinVar (database versions not stated): gnomAD exomes below 0.00001; TOPMed below 0.00001.
gnomAD v4.1: 2 of 1,606,632 alleles (0.00012%); highest among the groups gnomAD compares: Non-Finnish European, 0.00017%; no homozygotes.

Submission:

Labcorp Genetics (formerly Invitae), Labcorp
Classification: Uncertain significance. Last evaluated: 2021-12-06. Review status: criteria provided, single submitter. Criteria: Invitae Variant Classification Sherloc (09022015). Collection method: clinical testing. Allele origin: germline.
Comment: In summary, the available evidence is currently insufficient to determine the role of this variant in disease. Therefore, it has been classified as a Variant of Uncertain Significance. Algorithms developed to predict the effect of missense changes on protein structure and function output the following: SIFT: "Tolerated"; PolyPhen-2: "Benign"; Align-GVGD: "Class C0". The glycine amino acid residue is found in multiple mammalian species, which suggests that this missense change does not adversely affect protein function. This variant has not been reported in the literature in individuals affected with ARHGEF18-related conditions. This variant is not present in population databases (gnomAD no frequency). This sequence change replaces arginine, which is basic and polar, with glycine, which is neutral and non-polar, at codon 700 of the ARHGEF18 protein (p.Arg700Gly).

NM_001367823.1(ARHGEF18):c.2662A>G (p.Arg888Gly)

Gene: ARHGEF18 (Rho/Rac guanine nucleotide exchange factor 18; plus strand). Cytogenetic location: 19p13.2.
Variant type: single nucleotide variant.
Coding change: c.2662A>G on transcript NM_001367823.1 (MANE Select); coding-DNA position 2662, A replaced by G.
Protein change: p.Arg888Gly; replaces arginine 888 with glycine.
Molecular consequence: missense variant.
Genome position (GRCh38, 1-based): chr19:7,463,844, A>G. VCF-style: chr19-7463844-A-G. GRCh37 (hg19) VCF-style: chr19-7528730-A-G.
Other names: c.1936A>G, p.Arg646Gly (NM_001130955.2); c.1624A>G, p.Arg542Gly (NM_001367824.1, NM_015318.4); short protein forms R542G, R646G, R888G.
Identifiers: ClinVar variation 2034686 (VCV002034686.4), dbSNP rs1348219376, ClinGen allele CA403081769.